The following is an entry in ClinVar:

NM_012156.2(EPB41L1):c.665C>T (p.Ala222Val)

Gene: EPB41L1 (erythrocyte membrane protein band 4.1 like 1; plus strand). Cytogenetic location: 20q11.23.
Variant type: single nucleotide variant.
Coding change: c.665C>T on transcript NM_012156.2 (MANE Select); coding-DNA position 665, C replaced by T.
Protein change: p.Ala222Val; replaces alanine 222 with valine.
Molecular consequence: missense variant.
Genome position (GRCh38, 1-based): chr20:36,185,215, C>T. VCF-style: chr20-36185215-C-T. GRCh37 (hg19) VCF-style: chr20-34773137-C-T.
Other names: c.665C>T, p.Ala222Val (NM_001258329.1, NM_001424382.1, NM_001424383.1 and 13 more transcripts); c.572C>T, p.Ala191Val (NM_001258330.1); c.479C>T, p.Ala160Val (NM_001258331.2, NM_001424373.1, NM_001424374.1 and 19 more transcripts); short protein forms A160V, A191V, A222V.
Identifiers: ClinVar variation 2682429 (VCV002682429.1), dbSNP rs1033634508, ClinGen allele CA314219436.

ClinVar aggregate classification (germline): Uncertain significance (1 of 4 stars; one submission).

Allele frequency attached by ClinVar (database versions not stated): gnomAD exomes below 0.00001; TOPMed 0.00001.
gnomAD v4.1: 2 of 1,613,820 alleles (0.00012%); highest among the groups gnomAD compares: African/African-American, 0.0013%; no homozygotes.

Submission:

Women's Health and Genetics/Laboratory Corporation of America, LabCorp
Classification: Uncertain significance. Last evaluated: 2023-11-09. Review status: criteria provided, single submitter. Criteria: LabCorp Variant Classification Summary - May 2015. Collection method: clinical testing. Allele origin: germline.
Comment: Variant summary: EPB41L1 c.665C>T (p.Ala222Val) results in a non-conservative amino acid change located in the FERM domain (IPR000299) of the encoded protein sequence. Five of five in-silico tools predict a damaging effect of the variant on protein function. The variant was absent in 250970 control chromosomes (gnomAD). The available data on variant occurrences in the general population are insufficient to allow any conclusion about variant significance. To our knowledge, no occurrence of c.665C>T in individuals affected with Intellectual Disability, Autosomal Dominant 11 and no experimental evidence demonstrating its impact on protein function have been reported. No submitters have cited clinical-significance assessments for this variant to ClinVar after 2014. Based on the evidence outlined above, the variant was classified as uncertain significance.